The following is an entry in ClinVar:

ClinVar aggregate classification (germline): Uncertain significance (1 of 4 stars; one submission).

Conditions:
Inborn genetic diseases. Identifiers: MedGen C0950123, MeSH D030342.

gnomAD v4.1: 3 of 1,614,016 alleles (0.00019%); highest among the groups gnomAD compares: Non-Finnish European, 0.00025%; no homozygotes.

Submission:

Ambry Genetics
Classification: Uncertain significance for Inborn genetic diseases. Last evaluated: 2025-05-28. Review status: criteria provided, single submitter. Criteria: Ambry Variant Classification Scheme 2023. Collection method: clinical testing. Allele origin: germline.
Comment: The p.G804D variant (also known as c.2411G>A), located in coding exon 26 of the FANCA gene, results from a G to A substitution at nucleotide position 2411. The glycine at codon 804 is replaced by aspartic acid, an amino acid with similar properties. This amino acid position is conserved. In addition, this alteration is predicted to be tolerated by in silico analysis. Based on the available evidence, the clinical significance of this variant remains unclear.

NM_000135.4(FANCA):c.2411G>A (p.Gly804Asp)

Gene: FANCA (FA complementation group A; minus strand). Cytogenetic location: 16q24.3.
Variant type: single nucleotide variant.
Coding change: c.2411G>A on transcript NM_000135.4 (MANE Select); coding-DNA position 2411, G replaced by A.
Protein change: p.Gly804Asp; replaces glycine 804 with aspartic acid.
Molecular consequence: missense variant.
Genome position (GRCh38, 1-based): chr16:89,769,930, C>T on the plus strand (G>A on the coding strand, the complement: FANCA is on the minus strand). VCF-style: chr16-89769930-C-T. GRCh37 (hg19) VCF-style: chr16-89836338-C-T.
Other names: c.2411G>A, p.Gly804Asp (NM_001286167.3); short protein forms G804D.
Identifiers: ClinVar variation 4022323 (VCV004022323.1).